The following is an entry in ClinVar:

NC_000009.12:g.129824138G>A

Genes: TOR1A (torsin family 1 member A; minus strand), LOC130002772 (ATAC-STARR-seq lymphoblastoid active region 29122; plus strand). Cytogenetic location: 9q34.11.
Variant type: single nucleotide variant.
Genome position: GRCh38 VCF-style: chr9-129824138-G-A. GRCh37 (hg19) VCF-style: chr9-132586417-G-A.
Identifiers: ClinVar variation 3067210 (VCV003067210.20), dbSNP rs375095362, ClinGen allele CA200496942.

ClinVar aggregate classification (germline): Likely benign (1 of 4 stars; one submission).

Allele frequency attached by ClinVar (database versions not stated): gnomAD 0.00002; TOPMed 0.00003; gnomAD exomes 0.00007.

Submission:

CeGaT Center for Human Genetics Tuebingen
Classification: Likely benign. Last evaluated: 2024-03-01. Review status: criteria provided, single submitter. Criteria: CeGaT Center For Human Genetics Tuebingen Variant Classification Criteria Version 2. Collection method: clinical testing. Allele origin: germline. Affected: yes. Observed: 1 variant allele.
Comment: TOR1A: BS2